The following is an entry in ClinVar:

NM_005732.4(RAD50):c.2204T>G (p.Met735Arg)

Gene: RAD50 (RAD50 double strand break repair protein; plus strand). Cytogenetic location: 5q31.1.
Variant type: single nucleotide variant.
Coding change: c.2204T>G on transcript NM_005732.4 (MANE Select); coding-DNA position 2204, T replaced by G.
Protein change: p.Met735Arg; replaces methionine 735 with arginine.
Molecular consequence: missense variant.
Genome position (GRCh38, 1-based): chr5:132,595,807, T>G. VCF-style: chr5-132595807-T-G. GRCh37 (hg19) VCF-style: chr5-131931499-T-G.
Other names: short protein forms M735R.
Identifiers: ClinVar variation 4842932 (VCV004842932.1).

ClinVar aggregate classification (germline): Uncertain significance (1 of 4 stars; one submission).

Conditions:
Hereditary cancer-predisposing syndrome. Also called: Neoplastic Syndromes, Hereditary; Tumor predisposition; Hereditary Cancer Syndrome; Hereditary neoplastic syndrome. Identifiers: Orphanet 140162, MedGen C0027672, MeSH D009386, MONDO:0015356.

Submission:

Ambry Genetics
Classification: Uncertain significance for Hereditary cancer-predisposing syndrome. Last evaluated: 2025-12-17. Review status: criteria provided, single submitter. Criteria: Ambry Variant Classification Scheme 2023. Collection method: clinical testing. Allele origin: germline.
Comment: The p.M735R variant (also known as c.2204T>G), located in coding exon 13 of the RAD50 gene, results from a T to G substitution at nucleotide position 2204. The methionine at codon 735 is replaced by arginine, an amino acid with similar properties. This amino acid position is conserved. In addition, this alteration is predicted to be tolerated by in silico analysis. Based on the available evidence, the clinical significance of this variant remains unclear.